The following is an entry in ClinVar:

ClinVar aggregate classification (germline): Likely pathogenic (1 of 4 stars; one submission).

Conditions:
Ketoacidosis due to monocarboxylate transporter-1 deficiency. Also called: Monocarboxylate transporter 1 deficiency. Identifiers: Orphanet 438075, MedGen C4015186, MONDO:0014490, OMIM 616095.

Submission:

Department of Molecular Genetics, Istishari Arab Hospital
Classification: Likely pathogenic for Ketoacidosis due to monocarboxylate transporter-1 deficiency. Last evaluated: 2025-05-20. Review status: criteria provided, single submitter. Criteria: ACMG Guidelines, 2015. Collection method: clinical testing. Allele origin: inherited. Inheritance: Autosomal recessive inheritance. Affected: yes.
Comment: SLC16A1 p.Leu403Phe variant is novel and in silico perdition tools support its possible pathogenicity which is further supported by CADD SNV score 27. Additionally, variant is absent for our inhouse 3000 normal controls and from population databases, indicating a lack of commonality in the broader populations sense, which often correlates with pathogenic variants. The absence of these variants in diverse genetic backgrounds strengthens the hypothesis that they may be deleterious rather than benign alteration. Alpha missense predicts that variant SLC16A1 p. Leu403Phe is classified as likely pathogenic with a likelihood scores of pathogenicity at 0.9914. (PM2)

NM_003051.4(SLC16A1):c.1207C>T (p.Leu403Phe)

Gene: SLC16A1 (solute carrier family 16 member 1; minus strand). Cytogenetic location: 1p13.2.
Variant type: single nucleotide variant.
Coding change: c.1207C>T on transcript NM_003051.4 (MANE Select); coding-DNA position 1207, C replaced by T.
Protein change: p.Leu403Phe; replaces leucine 403 with phenylalanine.
Molecular consequence: missense variant.
Genome position (GRCh38, 1-based): chr1:112,917,199, G>A on the plus strand (C>T on the coding strand, the complement: SLC16A1 is on the minus strand). VCF-style: chr1-112917199-G-A. GRCh37 (hg19) VCF-style: chr1-113459821-G-A.
Other names: p.Leu403Phe; c.1207C>T, p.Leu403Phe (NM_001166496.2); short protein forms L403F.
Identifiers: ClinVar variation 3899396 (VCV003899396.1).